The following is an entry in ClinVar:

ClinVar aggregate classification (germline): Pathogenic/Likely pathogenic. Review status: criteria provided, multiple submitters, no conflicts (2 of 4 stars). 2 submissions from 2 submitters: Pathogenic (1); Likely pathogenic (1). Last evaluated 2026-06-30.

Conditions:
Developmental and epileptic encephalopathy, 77. Also called: EPILEPTIC ENCEPHALOPATHY, EARLY INFANTILE, 77; GLYCOSYLPHOSPHATIDYLINOSITOL BIOSYNTHESIS DEFECT 19; MULTIPLE CONGENITAL ANOMALIES-HYPOTONIA-SEIZURES SYNDROME 4. Identifiers: MedGen C5231405, MONDO:0032808, OMIM 618548.

Allele frequency attached by ClinVar (database versions not stated): TOPMed 0.00003; gnomAD 0.00001; ESP Exome Variant Server 0.00008.

Submissions (2):

Undiagnosed Diseases Network, NIH
Classification: Pathogenic for Developmental and epileptic encephalopathy, 77. Last evaluated: 2026-06-30. Review status: criteria provided, single submitter. Criteria: ACMG Guidelines, 2015. Collection method: clinical testing. Allele origin: maternal. Inheritance: Autosomal recessive inheritance. Affected: yes. Observed: 1 variant allele, 1 compound heterozygote.

Daryl Scott Lab, Baylor College of Medicine
Classification: Likely pathogenic for Developmental and epileptic encephalopathy, 77. Last evaluated: 2024-01-01. Review status: criteria provided, single submitter. Criteria: ACMG Guidelines, 2015. Collection method: clinical testing. Allele origin: maternal. Affected: yes. Observed: 1 heterozygote.
Comment: PM2, PM3, PP3

Literature cited by the submitters: PubMed 32588908 (cited by Undiagnosed Diseases Network, NIH).

NM_004204.5(PIGQ):c.49G>A (p.Gly17Arg)

Gene: PIGQ (phosphatidylinositol glycan anchor biosynthesis class Q; plus strand). Cytogenetic location: 16p13.3.
Variant type: single nucleotide variant.
Coding change: c.49G>A on transcript NM_004204.5 (MANE Select); coding-DNA position 49, G replaced by A.
Protein change: p.Gly17Arg; replaces glycine 17 with arginine.
Molecular consequence: missense variant.
Genome position (GRCh38, 1-based): chr16:574,123, G>A. VCF-style: chr16-574123-G-A. GRCh37 (hg19) VCF-style: chr16-624123-G-A.
Other names: c.49G>A, p.Gly17Arg (NM_148920.4); short protein forms G17R.
Identifiers: ClinVar variation 636279 (VCV000636279.5), dbSNP rs149108761, ClinGen allele CA7779768.